The following is an entry in ClinVar:

ClinVar aggregate classification (germline): Likely benign. Review status: criteria provided, multiple submitters, no conflicts (2 of 4 stars). 2 submissions from 2 submitters: Likely benign (2). Last evaluated 2025-03-05.

Conditions:
ABCB4-related disorder. Also called: ABCB4-related disorders; ABCB4-related condition.

Allele frequency attached by ClinVar (database versions not stated): gnomAD 0.00001; gnomAD exomes 0.00001; TOPMed 0.00001.

Submissions (2):

PreventionGenetics, part of Exact Sciences
Classification: Likely benign for ABCB4-related condition. Last evaluated: 2025-03-05. Review status: criteria provided, single submitter. Criteria: ACMG Guidelines, 2015. Collection method: clinical testing. Allele origin: germline.
Comment: This variant is classified as likely benign based on ACMG/AMP sequence variant interpretation guidelines (Richards et al. 2015 PMID: 25741868, with internal and published modifications).

Labcorp Genetics (formerly Invitae), Labcorp
Classification: Likely benign. Last evaluated: 2023-12-02. Review status: criteria provided, single submitter. Criteria: Invitae Variant Classification Sherloc (09022015). Collection method: clinical testing. Allele origin: germline.

NM_000443.4(ABCB4):c.3270G>A (p.Ala1090=)

Gene: ABCB4 (ATP binding cassette subfamily B member 4; minus strand). Cytogenetic location: 7q21.12.
Variant type: single nucleotide variant.
Coding change: c.3270G>A on transcript NM_000443.4 (MANE Select); coding-DNA position 3270, G replaced by A.
Protein change: p.Ala1090=; no amino-acid change (alanine 1090 retained).
Molecular consequence: synonymous variant.
Genome position (GRCh38, 1-based): chr7:87,408,046, C>T on the plus strand (G>A on the coding strand, the complement: ABCB4 is on the minus strand). VCF-style: chr7-87408046-C-T. GRCh37 (hg19) VCF-style: chr7-87037362-C-T.
Other names: c.3270G>A (NM_000443.3); c.3270G>A, p.Ala1090= (NM_018849.3); c.3129G>A, p.Ala1043= (NM_018850.3).
Identifiers: ClinVar variation 3019447 (VCV003019447.4), dbSNP rs1456777769, ClinGen allele CA456357108.